The following is an entry in ClinVar:

NM_000384.3(APOB):c.9599G>A (p.Ser3200Asn)

Gene: APOB (apolipoprotein B; minus strand). Cytogenetic location: 2p24.1.
Variant type: single nucleotide variant.
Coding change: c.9599G>A on transcript NM_000384.3 (MANE Select); coding-DNA position 9599, G replaced by A.
Protein change: p.Ser3200Asn; replaces serine 3200 with asparagine.
Molecular consequence: missense variant.
Genome position (GRCh38, 1-based): chr2:21,007,269, C>T on the plus strand (G>A on the coding strand, the complement: APOB is on the minus strand). VCF-style: chr2-21007269-C-T. GRCh37 (hg19) VCF-style: chr2-21230141-C-T.
Other names: short protein forms S3200N.
Identifiers: ClinVar variation 2927749 (VCV002927749.3), dbSNP rs753530256, ClinGen allele CA066685.

ClinVar aggregate classification (germline): Uncertain significance (1 of 4 stars; one submission).

Conditions:
Hypercholesterolemia, autosomal dominant, type B (FHCL2). Also called: APOB-Related Familial Hypercholesterolemia, Autosomal Dominant; Familial Hypercholesterolemia Type B; APOLIPOPROTEIN B-100, FAMILIAL DEFECTIVE; APOLIPOPROTEIN B-100, FAMILIAL LIGAND-DEFECTIVE; HYPERCHOLESTEROLEMIA, FAMILIAL, DUE TO LIGAND-DEFECTIVE APOLIPOPROTEIN B; Hyperlipoproteinemia Type IIb. Identifiers: MedGen C1704417, MONDO:0007751, OMIM 144010.
Familial hypobetalipoproteinemia 1. Also called: Hypobetalipoproteinemia, normotriglyceridemic; Acanthocytosis with hypobetalipoproteinemia; APOB-Related Familial Hypobetalipoproteinemia. Identifiers: MedGen C4551990, MONDO:0014252, OMIM 615558.

Allele frequency attached by ClinVar (database versions not stated): ExAC 0.00001.
gnomAD v4.1: 10 of 1,613,458 alleles (0.00062%); highest among the groups gnomAD compares: Non-Finnish European, 0.00085%; no homozygotes.

Submission:

Labcorp Genetics (formerly Invitae), Labcorp
Classification: Uncertain significance for Familial hypobetalipoproteinemia 1; Hypercholesterolemia, autosomal dominant, type B. Last evaluated: 2022-10-27. Review status: criteria provided, single submitter. Criteria: Invitae Variant Classification Sherloc (09022015). Collection method: clinical testing. Allele origin: germline.
Comment: In summary, the available evidence is currently insufficient to determine the role of this variant in disease. Therefore, it has been classified as a Variant of Uncertain Significance. Advanced modeling of protein sequence and biophysical properties (such as structural, functional, and spatial information, amino acid conservation, physicochemical variation, residue mobility, and thermodynamic stability) performed at Invitae indicates that this missense variant is not expected to disrupt APOB protein function. This variant has not been reported in the literature in individuals affected with APOB-related conditions. This variant is present in population databases (rs753530256, gnomAD 0.0009%). This sequence change replaces serine, which is neutral and polar, with asparagine, which is neutral and polar, at codon 3200 of the APOB protein (p.Ser3200Asn).